The following is an entry in ClinVar:

ClinVar aggregate classification (germline): Uncertain significance (1 of 4 stars; one submission).

Conditions:
Werner syndrome (WRN). Identifiers: Orphanet 902, MedGen C0043119, MONDO:0010196, OMIM 277700.

Allele frequency attached by ClinVar (database versions not stated): gnomAD exomes below 0.00001.
gnomAD v4.1: 2 of 1,613,842 alleles (0.00012%); highest among the groups gnomAD compares: Non-Finnish European, 0.00017%; no homozygotes.

Submission:

Labcorp Genetics (formerly Invitae), Labcorp
Classification: Uncertain significance for Werner syndrome. Last evaluated: 2022-10-17. Review status: criteria provided, single submitter. Criteria: Invitae Variant Classification Sherloc (09022015). Collection method: clinical testing. Allele origin: germline.
Comment: In summary, the available evidence is currently insufficient to determine the role of this variant in disease. Therefore, it has been classified as a Variant of Uncertain Significance. Algorithms developed to predict the effect of missense changes on protein structure and function are either unavailable or do not agree on the potential impact of this missense change (SIFT: "Not Available"; PolyPhen-2: "Benign"; Align-GVGD: "Not Available"). ClinVar contains an entry for this variant (Variation ID: 1014567). This variant has not been reported in the literature in individuals affected with WRN-related conditions. This variant is not present in population databases (gnomAD no frequency). This sequence change replaces valine, which is neutral and non-polar, with isoleucine, which is neutral and non-polar, at codon 181 of the WRN protein (p.Val181Ile).

NM_000553.6(WRN):c.541G>A (p.Val181Ile)

Gene: WRN (WRN RecQ like helicase; plus strand). Cytogenetic location: 8p12.
Variant type: single nucleotide variant.
Coding change: c.541G>A on transcript NM_000553.6 (MANE Select); coding-DNA position 541, G replaced by A.
Protein change: p.Val181Ile; replaces valine 181 with isoleucine.
Molecular consequence: missense variant.
Genome position (GRCh38, 1-based): chr8:31,067,069, G>A. VCF-style: chr8-31067069-G-A. GRCh37 (hg19) VCF-style: chr8-30924585-G-A.
Other names: short protein forms V181I.
Identifiers: ClinVar variation 1014567 (VCV001014567.5), dbSNP rs1812735533, ClinGen allele CA370915977.